The following is an entry in ClinVar:

ClinVar aggregate classification (germline): Uncertain significance. Review status: criteria provided, multiple submitters, no conflicts (2 of 4 stars). 2 submissions from 2 submitters: Uncertain significance (2). Last evaluated 2026-04-22.

Allele frequency attached by ClinVar (database versions not stated): gnomAD 0.00001.
gnomAD v4.1: 31 of 993,428 alleles (0.0031%); highest among the groups gnomAD compares: Non-Finnish European, 0.0037%; no homozygotes.

Submissions (2):

Women's Health and Genetics/Laboratory Corporation of America, LabCorp
Classification: Uncertain significance. Last evaluated: 2026-04-22. Review status: criteria provided, single submitter. Criteria: LabCorp Variant Classification Summary - May 2015. Collection method: clinical testing. Allele origin: germline.
Comment: Variant summary: ZSWIM6 c.131C>T (p.Pro44Leu) results in a non-conservative amino acid change in the encoded protein sequence. Algorithms developed to predict the effect of missense changes on protein structure and function are either unavailable or do not agree on the potential impact of this missense change. The variant was absent in 24124 control chromosomes. The available data on variant occurrences in the general population are insufficient to allow any conclusion about variant significance. To our knowledge, no occurrence of c.131C>T in individuals affected with ZSWIM6-related conditions and no experimental evidence demonstrating its impact on protein function have been reported. ClinVar contains an entry for this variant (Variation ID: 1370172). Based on the evidence outlined above, the variant was classified as uncertain significance.

Labcorp Genetics (formerly Invitae), Labcorp
Classification: Uncertain significance. Last evaluated: 2022-07-19. Review status: criteria provided, single submitter. Criteria: Invitae Variant Classification Sherloc (09022015). Collection method: clinical testing. Allele origin: germline.
Comment: In summary, the available evidence is currently insufficient to determine the role of this variant in disease. Therefore, it has been classified as a Variant of Uncertain Significance. Algorithms developed to predict the effect of missense changes on protein structure and function are either unavailable or do not agree on the potential impact of this missense change (SIFT: "Tolerated"; PolyPhen-2: "Not Available"; Align-GVGD: "Class C0"). ClinVar contains an entry for this variant (Variation ID: 1370172). This variant has not been reported in the literature in individuals affected with ZSWIM6-related conditions. The frequency data for this variant in the population databases is considered unreliable, as metrics indicate insufficient coverage at this position in the gnomAD database. This sequence change replaces proline, which is neutral and non-polar, with leucine, which is neutral and non-polar, at codon 44 of the ZSWIM6 protein (p.Pro44Leu).

NM_020928.2(ZSWIM6):c.131C>T (p.Pro44Leu)

Gene: ZSWIM6 (zinc finger SWIM-type containing 6; plus strand). Cytogenetic location: 5q12.1.
Variant type: single nucleotide variant.
Coding change: c.131C>T on transcript NM_020928.2 (MANE Select); coding-DNA position 131, C replaced by T.
Protein change: p.Pro44Leu; replaces proline 44 with leucine.
Molecular consequence: missense variant.
Genome position (GRCh38, 1-based): chr5:61,332,403, C>T. VCF-style: chr5-61332403-C-T. GRCh37 (hg19) VCF-style: chr5-60628230-C-T.
Other names: short protein forms P44L.
Identifiers: ClinVar variation 1370172 (VCV001370172.9), dbSNP rs991997128, ClinGen allele CA119631637.